The following is an entry in ClinVar:

NM_206933.4(USH2A):c.14683A>G (p.Ser4895Gly)

Gene: USH2A (usherin; minus strand). Cytogenetic location: 1q41.
Variant type: single nucleotide variant.
Coding change: c.14683A>G on transcript NM_206933.4 (MANE Select); coding-DNA position 14683, A replaced by G.
Protein change: p.Ser4895Gly; replaces serine 4895 with glycine.
Molecular consequence: missense variant.
Genome position (GRCh38, 1-based): chr1:215,647,630, T>C on the plus strand (A>G on the coding strand, the complement: USH2A is on the minus strand). VCF-style: chr1-215647630-T-C. GRCh37 (hg19) VCF-style: chr1-215820972-T-C.
Other names: p.Ser4895Gly; short protein forms S4895G.
Identifiers: ClinVar variation 1704351 (VCV001704351.3), dbSNP rs1469032409, ClinGen allele CA344831567.

ClinVar aggregate classification (germline): Uncertain significance (1 of 4 stars; one submission).

Conditions:
Usher syndrome type 2A. Also called: USHER SYNDROME, TYPE IIA; RETINAL DISEASE IN USHER SYNDROME TYPE IIA, MODIFIER OF. Identifiers: Orphanet 231178, Orphanet 886, MedGen C1848634, MONDO:0010169, OMIM 276901.

Allele frequency attached by ClinVar (database versions not stated): gnomAD exomes below 0.00001.
gnomAD v4.1: 4 of 1,614,180 alleles (0.00025%); highest among the groups gnomAD compares: South Asian, 0.0044%; no homozygotes.

Submission:

Foundation for Research in Genetics and Endocrinology, FRIGE's Institute of Human Genetics
Classification: Uncertain significance for Usher syndrome type 2A. Last evaluated: 2022-05-02. Review status: criteria provided, single submitter. Criteria: ACMG Guidelines, 2015. Collection method: clinical testing. Allele origin: germline. Inheritance: Autosomal recessive inheritance. Affected: yes. Observed: 1 heterozygote.
Comment: A heterozygous missense variation in exon 67 of the USH2A gene that results in the amino acid substitution of Glycine for Serine at codon 4895 was detected. The observed variant c.14683A>G(p.Ser4895Gly) has not been reported in the 1000 genomes and gnomAD databases. The in silico prediction of the variant are possibly damaging by PolyPhen-2 (HumDiv) and damaging by SIFT and LRT . The reference codon is conserved across mammals. In summary, the variant meets our criteria to be classified as variant of uncertain significance.